The following is an entry in ClinVar:

ClinVar aggregate classification (germline): Pathogenic (1 of 4 stars; one submission).

Submission:

Labcorp Genetics (formerly Invitae), Labcorp
Classification: Pathogenic. Last evaluated: 2023-10-15. Review status: criteria provided, single submitter. Criteria: Invitae Variant Classification Sherloc (09022015). Collection method: clinical testing. Allele origin: germline.
Comment: This sequence change creates a premature translational stop signal (p.Gln669*) in the OTOA gene. It is expected to result in an absent or disrupted protein product. Loss-of-function variants in OTOA are known to be pathogenic (PMID: 11972037). This variant is not present in population databases (gnomAD no frequency). This variant has not been reported in the literature in individuals affected with OTOA-related conditions. Algorithms developed to predict the effect of sequence changes on RNA splicing suggest that this variant may disrupt the consensus splice site. For these reasons, this variant has been classified as Pathogenic.

Literature cited by the submitters: PubMed 11972037.

NM_144672.4(OTOA):c.2005C>T (p.Gln669Ter)

Gene: OTOA (otoancorin). Cytogenetic location: 16p12.2.
Variant type: single nucleotide variant.
Coding change: c.2005C>T on transcript NM_144672.4 (MANE Select); coding-DNA position 2005, C replaced by T.
Protein change: p.Gln669Ter; replaces glutamine 669 with a stop codon.
Molecular consequence: nonsense.
Genome position (GRCh38, 1-based): chr16:21,726,647, C>T. VCF-style: chr16-21726647-C-T. GRCh37 (hg19) VCF-style: chr16-21737968-C-T.
Other names: c.1768C>T, p.Gln590Ter (NM_001161683.2); c.1033C>T, p.Gln345Ter (NM_170664.3); short protein forms Q669*, Q345*, Q590*.
Identifiers: ClinVar variation 3011364 (VCV003011364.3), dbSNP rs2507058870, ClinGen allele CA395061858.